The following is an entry in ClinVar:

NM_000257.4(MYH7):c.3338C>A (p.Ala1113Glu)

Gene: MYH7 (myosin heavy chain 7; minus strand). Cytogenetic location: 14q11.2.
Variant type: single nucleotide variant.
Coding change: c.3338C>A on transcript NM_000257.4 (MANE Select); coding-DNA position 3338, C replaced by A.
Protein change: p.Ala1113Glu; replaces alanine 1113 with glutamic acid.
Molecular consequence: missense variant.
Genome position (GRCh38, 1-based): chr14:23,420,233, G>T on the plus strand (C>A on the coding strand, the complement: MYH7 is on the minus strand). VCF-style: chr14-23420233-G-T. GRCh37 (hg19) VCF-style: chr14-23889442-G-T.
Other names: c.3338C>A, p.Ala1113Glu (NM_001407004.1); short protein forms A1113E.
Identifiers: ClinVar variation 3729381 (VCV003729381.2).
Genomic context (GRCh38, chr14:23,420,233, plus strand): 5'-TCCACCTTAGCCCTGGCGGTGCGCTCGGCCTCCAGCTCCTCCTCCAGCTCCTCGATGCGT[G>T]CCTGGTCAGACACAAAGGGCTCAGACCCACCGCCTGGACCCCTCCACTGGAATCCCCCCG-3'
Protein context (NP_000248.2, residues 1103-1123): QLQKKLKELQ[Ala1113Glu]RIEELEEELE

ClinVar aggregate classification (germline): Uncertain significance (1 of 4 stars; one submission).

Conditions:
Hypertrophic cardiomyopathy. Also called: HYPERTROPHIC MYOCARDIOPATHY. Identifiers: Orphanet 217569, MedGen C0007194, MeSH D002312, MONDO:0005045, HP:0001639.

Submission:

Labcorp Genetics (formerly Invitae), Labcorp
Classification: Uncertain significance for Hypertrophic cardiomyopathy. Last evaluated: 2025-01-22. Review status: criteria provided, single submitter. Criteria: Invitae Variant Classification Sherloc (09022015). Collection method: clinical testing. Allele origin: germline.
Comment: This sequence change replaces alanine, which is neutral and non-polar, with glutamic acid, which is acidic and polar, at codon 1113 of the MYH7 protein (p.Ala1113Glu). This variant is not present in population databases (gnomAD no frequency). This variant has not been reported in the literature in individuals affected with MYH7-related conditions. An algorithm developed to predict the effect of missense changes on protein structure and function (PolyPhen-2) suggests that this variant is likely to be disruptive. This variant disrupts the p.Ala1113 amino acid residue in MYH7. Other variant(s) that disrupt this residue have been determined to be pathogenic (internal data). This suggests that this residue is clinically significant, and that variants that disrupt this residue are likely to be disease-causing. In summary, the available evidence is currently insufficient to determine the role of this variant in disease. Therefore, it has been classified as a Variant of Uncertain Significance.